The following is an entry in ClinVar:

NM_002691.4(POLD1):c.282C>A (p.Leu94=)

Gene: POLD1 (DNA polymerase delta 1, catalytic subunit; plus strand). Cytogenetic location: 19q13.33.
Variant type: single nucleotide variant.
Coding change: c.282C>A on transcript NM_002691.4 (MANE Select); coding-DNA position 282, C replaced by A.
Protein change: p.Leu94=; no amino-acid change (leucine 94 retained).
Molecular consequence: synonymous variant. On other transcripts: non-coding transcript variant (1).
Genome position (GRCh38, 1-based): chr19:50,399,450, C>A. VCF-style: chr19-50399450-C-A. GRCh37 (hg19) VCF-style: chr19-50902707-C-A.
Other names: c.282C>A, p.Leu94= (NM_001256849.1, NM_001308632.1).
Identifiers: ClinVar variation 513190 (VCV000513190.8), dbSNP rs185535756, ClinGen allele CA9595671.
Genomic context (GRCh38, chr19:50,399,450, plus strand): 5'-CATAGATCCTCGCTGGCTTCGGCCCACACCACCAGCGCTGGACCCCCAGACAGAGCCCCT[C>A]ATCTTCCAACAGTTGGAGATTGACCATTATGTGGGTGAGTTTAGGGGTTATGGGTGAGTG-3'
Protein context (NP_002682.2, residues 84-104): PPALDPQTEP[Leu94=]IFQQLEIDHY

ClinVar aggregate classification (germline): Likely benign. Review status: criteria provided, multiple submitters, no conflicts (2 of 4 stars). 3 submissions from 3 submitters: Likely benign (3). Last evaluated 2024-06-10.

Conditions:
Hereditary cancer-predisposing syndrome. Also called: Tumor predisposition; Hereditary Cancer Syndrome; Hereditary neoplastic syndrome; Neoplastic Syndromes, Hereditary. Identifiers: Orphanet 140162, MedGen C0027672, MeSH D009386, MONDO:0015356.
POLD1-related polyposis and colorectal cancer syndrome (CRCS10). Also called: Colorectal cancer 10; COLORECTAL CANCER, SUSCEPTIBILITY TO, ON CHROMOSOME 19q; Colorectal cancer, susceptibility to, 10. Identifiers: Orphanet 220460, MedGen C2675481, MONDO:0012953, OMIM 612591.

Allele frequency attached by ClinVar (database versions not stated): ExAC 0.00001; gnomAD 0.00001; gnomAD exomes 0.00001 and 0.00002; 1000 Genomes Project 0.00020; 1000 Genomes Project 30x 0.00031.
gnomAD v4.1: 4 of 1,614,020 alleles (0.00025%); highest among the groups gnomAD compares: Admixed American, 0.0067%; no homozygotes.

Submissions (3):

Labcorp Genetics (formerly Invitae), Labcorp
Classification: Likely benign for POLD1-related polyposis and colorectal cancer syndrome. Last evaluated: 2024-06-10. Review status: criteria provided, single submitter. Criteria: Invitae Variant Classification Sherloc (09022015). Collection method: clinical testing. Allele origin: germline.

Ambry Genetics
Classification: Likely benign for Hereditary cancer-predisposing syndrome. Last evaluated: 2018-10-29. Review status: criteria provided, single submitter. Criteria: Ambry Variant Classification Scheme 2023. Collection method: clinical testing. Allele origin: germline.

GeneDx
Classification: Likely benign. Last evaluated: 2017-11-02. Review status: criteria provided, single submitter. Criteria: GeneDx Variant Classification (06012015). Collection method: clinical testing. Allele origin: germline. Affected: yes.
Comment: This variant is considered likely benign or benign based on one or more of the following criteria: it is a conservative change, it occurs at a poorly conserved position in the protein, it is predicted to be benign by multiple in silico algorithms, and/or has population frequency not consistent with disease.